The following is an entry in ClinVar:

ClinVar aggregate classification (germline): Uncertain significance (1 of 4 stars; one submission).

Allele frequency attached by ClinVar (database versions not stated): gnomAD exomes below 0.00001; ExAC 0.00001; TOPMed 0.00002; ESP Exome Variant Server 0.00015.
gnomAD v4.1: 4 of 1,610,450 alleles (0.00025%); highest among the groups gnomAD compares: African/African-American, 0.0053%; no homozygotes.

Submission:

Labcorp Genetics (formerly Invitae), Labcorp
Classification: Uncertain significance. Last evaluated: 2024-12-02. Review status: criteria provided, single submitter. Criteria: Invitae Variant Classification Sherloc (09022015). Collection method: clinical testing. Allele origin: germline.
Comment: This sequence change replaces glutamic acid, which is acidic and polar, with lysine, which is basic and polar, at codon 245 of the GNAT2 protein (p.Glu245Lys). This variant is present in population databases (rs147849105, gnomAD 0.008%). This variant has not been reported in the literature in individuals affected with GNAT2-related conditions. ClinVar contains an entry for this variant (Variation ID: 1037942). Invitae Evidence Modeling of protein sequence and biophysical properties (such as structural, functional, and spatial information, amino acid conservation, physicochemical variation, residue mobility, and thermodynamic stability) indicates that this missense variant is expected to disrupt GNAT2 protein function with a positive predictive value of 80%. Algorithms developed to predict the effect of sequence changes on RNA splicing suggest that this variant may disrupt the consensus splice site. In summary, the available evidence is currently insufficient to determine the role of this variant in disease. Therefore, it has been classified as a Variant of Uncertain Significance.

NM_001377295.2(GNAT2):c.733G>A (p.Glu245Lys)

Gene: GNAT2 (G protein subunit alpha transducin 2; minus strand). Cytogenetic location: 1p13.3.
Variant type: single nucleotide variant.
Coding change: c.733G>A on transcript NM_001377295.2 (MANE Select); coding-DNA position 733, G replaced by A.
Protein change: p.Glu245Lys; replaces glutamic acid 245 with lysine.
Molecular consequence: missense variant.
Genome position (GRCh38, 1-based): chr1:109,604,092, C>T on the plus strand (G>A on the coding strand, the complement: GNAT2 is on the minus strand). VCF-style: chr1-109604092-C-T. GRCh37 (hg19) VCF-style: chr1-110146714-C-T.
Other names: c.733G>A, p.Glu245Lys (NM_001379232.1, NM_005272.5); short protein forms E245K.
Identifiers: ClinVar variation 1037942 (VCV001037942.5), dbSNP rs147849105, ClinGen allele CA992320.